The following is an entry in ClinVar:

ClinVar aggregate classification (germline): Uncertain significance (1 of 4 stars; one submission).

Submission:

Labcorp Genetics (formerly Invitae), Labcorp
Classification: Uncertain significance. Last evaluated: 2022-07-14. Review status: criteria provided, single submitter. Criteria: Invitae Variant Classification Sherloc (09022015). Collection method: clinical testing. Allele origin: germline.
Comment: In summary, the available evidence is currently insufficient to determine the role of this variant in disease. Therefore, it has been classified as a Variant of Uncertain Significance. Advanced modeling of protein sequence and biophysical properties (such as structural, functional, and spatial information, amino acid conservation, physicochemical variation, residue mobility, and thermodynamic stability) performed at Invitae indicates that this missense variant is not expected to disrupt ABCC6 protein function. This variant has not been reported in the literature in individuals affected with ABCC6-related conditions. This variant is not present in population databases (gnomAD no frequency). This sequence change replaces alanine, which is neutral and non-polar, with threonine, which is neutral and polar, at codon 830 of the ABCC6 protein (p.Ala830Thr).

NM_001171.6(ABCC6):c.2488G>A (p.Ala830Thr)

Gene: ABCC6 (ATP binding cassette subfamily C member 6; minus strand). Cytogenetic location: 16p13.11.
Variant type: single nucleotide variant.
Coding change: c.2488G>A on transcript NM_001171.6 (MANE Select); coding-DNA position 2488, G replaced by A.
Protein change: p.Ala830Thr; replaces alanine 830 with threonine.
Molecular consequence: missense variant.
Genome position (GRCh38, 1-based): chr16:16,177,554, C>T on the plus strand (G>A on the coding strand, the complement: ABCC6 is on the minus strand). VCF-style: chr16-16177554-C-T. GRCh37 (hg19) VCF-style: chr16-16271411-C-T.
Other names: c.2146G>A, p.Ala716Thr (NM_001351800.1); short protein forms A716T, A830T.
Identifiers: ClinVar variation 1715113 (VCV001715113.5), dbSNP rs1555512158, ClinGen allele CA394887717.